The following is an entry in ClinVar:

NM_181426.2(CCDC39):c.1246G>T (p.Glu416Ter)

Gene: CCDC39 (coiled-coil domain 39 molecular ruler complex subunit; minus strand). Cytogenetic location: 3q26.33.
Variant type: single nucleotide variant.
Coding change: c.1246G>T on transcript NM_181426.2 (MANE Select); coding-DNA position 1246, G replaced by T.
Protein change: p.Glu416Ter; replaces glutamic acid 416 with a stop codon.
Molecular consequence: nonsense.
Genome position (GRCh38, 1-based): chr3:180,648,281, C>A on the plus strand (G>T on the coding strand, the complement: CCDC39 is on the minus strand). VCF-style: chr3-180648281-C-A. GRCh37 (hg19) VCF-style: chr3-180366069-C-A.
Other names: short protein forms E416*.
Identifiers: ClinVar variation 3768520 (VCV003768520.1).

ClinVar aggregate classification (germline): Pathogenic (1 of 4 stars; one submission).

Conditions:
Primary ciliary dyskinesia 14. Also called: CILIARY DYSKINESIA, PRIMARY, 14, WITH OR WITHOUT SITUS INVERSUS. Identifiers: Orphanet 244, MedGen C3151136, MONDO:0013434, OMIM 613807.

Submission:

Women's Health and Genetics/Laboratory Corporation of America, LabCorp
Classification: Pathogenic for Primary ciliary dyskinesia 14. Last evaluated: 2024-12-18. Review status: criteria provided, single submitter. Criteria: LabCorp Variant Classification Summary - May 2015. Collection method: clinical testing. Allele origin: germline.
Comment: Variant summary: CCDC39 c.1246G>T (p.Glu416*) results in a premature termination codon, predicted to cause a truncation of the encoded protein or absence of the protein due to nonsense mediated decay, which are commonly known mechanisms for disease. The variant was absent in 248686 control chromosomes. c.1246G>T has been reported in the literature in an individual affected with primary ciliary dyskinesia 14 (e.g., Wu_2021). To our knowledge, no experimental evidence demonstrating an impact on protein function has been reported. The following publication has been ascertained in the context of this evaluation (PMID: 33935161). No submitters have cited clinical-significance assessments for this variant to ClinVar. Based on the evidence outlined above, the variant was classified as pathogenic.

Literature cited by the submitters: PubMed 33935161.